The following is an entry in ClinVar:

NM_032578.4(MYPN):c.1339T>A (p.Ser447Thr)

Gene: MYPN (myopalladin; plus strand). Cytogenetic location: 10q21.3.
Variant type: single nucleotide variant.
Coding change: c.1339T>A on transcript NM_032578.4 (MANE Select); coding-DNA position 1339, T replaced by A.
Protein change: p.Ser447Thr; replaces serine 447 with threonine.
Molecular consequence: missense variant. On other transcripts: non-coding transcript variant (2).
Genome position (GRCh38, 1-based): chr10:68,158,507, T>A. VCF-style: chr10-68158507-T-A. GRCh37 (hg19) VCF-style: chr10-69918264-T-A.
Other names: c.1339T>A, p.Ser447Thr (NM_001256267.2); c.457T>A, p.Ser153Thr (NM_001256268.2); short protein forms S447T, S153T.
Identifiers: ClinVar variation 2061477 (VCV002061477.4), dbSNP rs2042919336, ClinGen allele CA376834444.

ClinVar aggregate classification (germline): Uncertain significance (1 of 4 stars; one submission).

Conditions:
Dilated cardiomyopathy 1KK (CMD1KK). Identifiers: Orphanet 154, Orphanet 75249, MedGen C3714995, MONDO:0014100, OMIM 615248.

Allele frequency attached by ClinVar (database versions not stated): TOPMed below 0.00001.

Submission:

Labcorp Genetics (formerly Invitae), Labcorp
Classification: Uncertain significance for Dilated cardiomyopathy 1KK. Last evaluated: 2021-12-26. Review status: criteria provided, single submitter. Criteria: Invitae Variant Classification Sherloc (09022015). Collection method: clinical testing. Allele origin: germline.
Comment: Algorithms developed to predict the effect of missense changes on protein structure and function are either unavailable or do not agree on the potential impact of this missense change (SIFT: "Tolerated"; PolyPhen-2: "Possibly Damaging"; Align-GVGD: "Class C0"). In summary, the available evidence is currently insufficient to determine the role of this variant in disease. Therefore, it has been classified as a Variant of Uncertain Significance. This variant has not been reported in the literature in individuals affected with MYPN-related conditions. This variant is not present in population databases (gnomAD no frequency). This sequence change replaces serine, which is neutral and polar, with threonine, which is neutral and polar, at codon 447 of the MYPN protein (p.Ser447Thr).